The following is an entry in ClinVar:

NM_021076.4(NEFH):c.1073C>T (p.Ala358Val)

Gene: NEFH (neurofilament heavy chain; plus strand). Cytogenetic location: 22q12.2.
Variant type: single nucleotide variant.
Coding change: c.1073C>T on transcript NM_021076.4 (MANE Select); coding-DNA position 1073, C replaced by T.
Protein change: p.Ala358Val; replaces alanine 358 with valine.
Molecular consequence: missense variant.
Genome position (GRCh38, 1-based): chr22:29,483,564, C>T. VCF-style: chr22-29483564-C-T. GRCh37 (hg19) VCF-style: chr22-29879553-C-T.
Other names: short protein forms A358V.
Identifiers: ClinVar variation 1518233 (VCV001518233.6), dbSNP rs748726958, ClinGen allele CA411125801.

ClinVar aggregate classification (germline): Uncertain significance (1 of 4 stars; one submission).

Allele frequency attached by ClinVar (database versions not stated): gnomAD exomes below 0.00001; gnomAD 0.00001.
gnomAD v4.1: 4 of 1,613,548 alleles (0.00025%); highest among the groups gnomAD compares: Non-Finnish European, 0.00034%; no homozygotes.

Submission:

Labcorp Genetics (formerly Invitae), Labcorp
Classification: Uncertain significance. Last evaluated: 2026-02-04. Review status: criteria provided, single submitter. Criteria: Invitae Variant Classification Sherloc (09022015). Collection method: clinical testing. Allele origin: germline.
Comment: This sequence change replaces alanine, which is neutral and non-polar, with valine, which is neutral and non-polar, at codon 358 of the NEFH protein (p.Ala358Val). This variant is not present in population databases (gnomAD no frequency). This variant has not been reported in the literature in individuals affected with NEFH-related conditions. ClinVar contains an entry for this variant (Variation ID: 1518233). Invitae Evidence Modeling of protein sequence and biophysical properties (such as structural, functional, and spatial information, amino acid conservation, physicochemical variation, residue mobility, and thermodynamic stability) indicates that this missense variant is not expected to disrupt NEFH protein function with a negative predictive value of 95%. In summary, the available evidence is currently insufficient to determine the role of this variant in disease. Therefore, it has been classified as a Variant of Uncertain Significance.